The following is an entry in ClinVar:

NM_000256.3(MYBPC3):c.3627G>A (p.Lys1209=)

Gene: MYBPC3 (myosin binding protein C3; minus strand). Cytogenetic location: 11p11.2.
Variant type: single nucleotide variant.
Coding change: c.3627G>A on transcript NM_000256.3 (MANE Select); coding-DNA position 3627, G replaced by A.
Protein change: p.Lys1209=; no amino-acid change (lysine 1209 retained).
Molecular consequence: synonymous variant.
Genome position (GRCh38, 1-based): chr11:47,332,566, C>T on the plus strand (G>A on the coding strand, the complement: MYBPC3 is on the minus strand). VCF-style: chr11-47332566-C-T. GRCh37 (hg19) VCF-style: chr11-47354117-C-T.
Other names: c.3627G>A, p.Lys1209= (LRG_386t1).
Identifiers: ClinVar variation 444251 (VCV000444251.50), dbSNP rs1555120261, ClinGen allele CA474428880.

ClinVar aggregate classification (germline): Conflicting classifications of pathogenicity. Review status: criteria provided, conflicting classifications (1 of 4 stars). 4 submissions from 4 submitters: Likely pathogenic (1); Uncertain significance (3). Last evaluated 2025-10-28.

Conditions:
Cardiovascular phenotype. Identifiers: MedGen CN230736.
Hypertrophic cardiomyopathy. Also called: HYPERTROPHIC MYOCARDIOPATHY. Identifiers: Orphanet 217569, MedGen C0007194, MeSH D002312, MONDO:0005045, HP:0001639.

Submissions (4):

Labcorp Genetics (formerly Invitae), Labcorp
Classification: Uncertain significance for Hypertrophic cardiomyopathy. Last evaluated: 2025-10-28. Review status: criteria provided, single submitter. Criteria: Invitae Variant Classification Sherloc (09022015). Collection method: clinical testing. Allele origin: germline.
Comment: This sequence change affects codon 1209 of the MYBPC3 mRNA. It is a 'silent' change, meaning that it does not change the encoded amino acid sequence of the MYBPC3 protein. This variant also falls at the last nucleotide of exon 32, which is part of the consensus splice site for this exon. This variant is not present in population databases (gnomAD no frequency). This variant has not been reported in the literature in individuals affected with MYBPC3-related conditions. ClinVar contains an entry for this variant (Variation ID: 444251). Variants that disrupt the consensus splice site are a relatively common cause of aberrant splicing (PMID: 17576681, 9536098). Algorithms developed to predict the effect of sequence changes on RNA splicing suggest that this variant may disrupt the consensus splice site. In summary, the available evidence is currently insufficient to determine the role of this variant in disease. Therefore, it has been classified as a Variant of Uncertain Significance.

Blueprint Genetics
Classification: Uncertain significance. Last evaluated: 2024-07-11. Review status: criteria provided, single submitter. Criteria: ACMG Guidelines, 2015. Collection method: clinical testing. Allele origin: germline.

Ambry Genetics
Classification: Uncertain significance for Cardiovascular phenotype. Last evaluated: 2021-03-23. Review status: criteria provided, single submitter. Criteria: Ambry Variant Classification Scheme 2023. Collection method: clinical testing. Allele origin: germline.
Comment: The c.3627G>A (p.K1209K) alteration is located in exon 32 (coding exon 32) of the MYBPC3 gene. This alteration consists of a G to A substitution at nucleotide position 3627. This nucleotide substitution does not change the amino acid at codon 1209. However, this change occurs in the last nucleotide of Exon 32 (c.3491_3627) which makes it likely to have some effect on normal mRNA splicing. Based on insufficient or conflicting evidence, the clinical significance of this alteration remains unclear.

CeGaT Center for Human Genetics Tuebingen
Classification: Likely pathogenic. Last evaluated: 2017-04-01. Review status: criteria provided, single submitter. Criteria: CeGaT Center For Human Genetics Tuebingen Variant Classification Criteria Version 2. Collection method: clinical testing. Allele origin: germline. Affected: yes. Observed: 1 variant allele.

Literature cited by the submitters: PubMed 17576681 (cited by Labcorp Genetics (formerly Invitae), Labcorp); PubMed 9536098 (cited by Labcorp Genetics (formerly Invitae), Labcorp).